The following is an entry in ClinVar:

NM_002332.3(LRP1):c.11779C>T (p.Arg3927Cys)

Gene: LRP1 (LDL receptor related protein 1; plus strand). Cytogenetic location: 12q13.3.
Variant type: single nucleotide variant.
Coding change: c.11779C>T on transcript NM_002332.3 (MANE Select); coding-DNA position 11779, C replaced by T.
Protein change: p.Arg3927Cys; replaces arginine 3927 with cysteine.
Molecular consequence: missense variant.
Genome position (GRCh38, 1-based): chr12:57,206,661, C>T. VCF-style: chr12-57206661-C-T. GRCh37 (hg19) VCF-style: chr12-57600444-C-T.
Other names: short protein forms R3927C.
Identifiers: ClinVar variation 2469932 (VCV002469932.7), dbSNP rs756832561, ClinGen allele CA6645398.

ClinVar aggregate classification (germline): Conflicting classifications of pathogenicity. Review status: criteria provided, conflicting classifications (1 of 4 stars). 2 submissions from 2 submitters: Uncertain significance (1); Likely benign (1). Last evaluated 2026-03-01.

Allele frequency attached by ClinVar (database versions not stated): gnomAD exomes 0.00005; TOPMed 0.00007; ExAC 0.00009; gnomAD 0.00009.
gnomAD v4.1: 83 of 1,613,810 alleles (0.0051%); highest among the groups gnomAD compares: South Asian, 0.023%; 1 homozygote.

Submissions (2):

CeGaT Center for Human Genetics Tuebingen
Classification: Likely benign. Last evaluated: 2026-03-01. Review status: criteria provided, single submitter. Criteria: CeGaT Center For Human Genetics Tuebingen Variant Classification Criteria Version 2. Collection method: clinical testing. Allele origin: germline. Affected: yes. Observed: 1 variant allele.
Comment: LRP1: BS2

Ambry Genetics
Classification: Uncertain significance. Last evaluated: 2025-04-08. Review status: criteria provided, single submitter. Criteria: Ambry Variant Classification Scheme 2023. Collection method: clinical testing. Allele origin: germline.